The following is an entry in ClinVar:

NM_000059.4(BRCA2):c.7526G>C (p.Ser2509Thr)

Gene: BRCA2 (BRCA2 DNA repair associated; plus strand). Cytogenetic location: 13q13.1.
Variant type: single nucleotide variant.
Coding change: c.7526G>C on transcript NM_000059.4 (MANE Select); coding-DNA position 7526, G replaced by C.
Protein change: p.Ser2509Thr; replaces serine 2509 with threonine.
Molecular consequence: missense variant.
Genome position (GRCh38, 1-based): chr13:32,356,518, G>C. VCF-style: chr13-32356518-G-C. GRCh37 (hg19) VCF-style: chr13-32930655-G-C.
Other names: short protein forms S2509T.
Identifiers: ClinVar variation 653849 (VCV000653849.10), dbSNP rs1555286271, ClinGen allele CA387743563.

ClinVar aggregate classification (germline): Conflicting classifications of pathogenicity. Review status: criteria provided, conflicting classifications (1 of 4 stars). 2 submissions from 2 submitters: Uncertain significance (1); Likely benign (1). Last evaluated 2025-04-16.

Conditions:
Hereditary breast ovarian cancer syndrome. Also called: Breast and ovarian cancer; BRCA1- and BRCA2-Associated Hereditary Breast and Ovarian Cancer; Hereditary breast and ovarian cancer; Hereditary breast and/or ovarian cancer syndrome; Hereditary breast and ovarian cancer syndrome; Hereditary breast and ovarian cancer syndrome (HBOC). Identifiers: Orphanet 145, MedGen C0677776, MeSH D061325, MONDO:0003582. Disease mechanism: loss of function.
Hereditary cancer-predisposing syndrome. Also called: Neoplastic Syndromes, Hereditary; Tumor predisposition; Hereditary Cancer Syndrome; Hereditary neoplastic syndrome. Identifiers: Orphanet 140162, MedGen C0027672, MeSH D009386, MONDO:0015356.

Submissions (2):

Ambry Genetics
Classification: Likely benign for Hereditary cancer-predisposing syndrome. Last evaluated: 2025-04-16. Review status: criteria provided, single submitter. Criteria: Ambry Variant Classification Scheme 2023. Collection method: clinical testing. Allele origin: germline.

Labcorp Genetics (formerly Invitae), Labcorp
Classification: Uncertain significance for Hereditary breast ovarian cancer syndrome. Last evaluated: 2022-09-01. Review status: criteria provided, single submitter. Criteria: Invitae Variant Classification Sherloc (09022015). Collection method: clinical testing. Allele origin: germline.
Comment: In summary, the available evidence is currently insufficient to determine the role of this variant in disease. Therefore, it has been classified as a Variant of Uncertain Significance. Advanced modeling of protein sequence and biophysical properties (such as structural, functional, and spatial information, amino acid conservation, physicochemical variation, residue mobility, and thermodynamic stability) performed at Invitae indicates that this missense variant is not expected to disrupt BRCA2 protein function. ClinVar contains an entry for this variant (Variation ID: 653849). This variant has not been reported in the literature in individuals affected with BRCA2-related conditions. This variant is not present in population databases (gnomAD no frequency). This sequence change replaces serine, which is neutral and polar, with threonine, which is neutral and polar, at codon 2509 of the BRCA2 protein (p.Ser2509Thr).